The following is an entry in ClinVar:

ClinVar aggregate classification (germline): Uncertain significance (1 of 4 stars; one submission).

Conditions:
Inborn genetic diseases. Identifiers: MedGen C0950123, MeSH D030342.

gnomAD v4.1: 2 of 1,614,198 alleles (0.00012%); highest among the groups gnomAD compares: East Asian, 0.0045%; no homozygotes.

Submission:

Ambry Genetics
Classification: Uncertain significance for Inborn genetic diseases. Last evaluated: 2025-08-23. Review status: criteria provided, single submitter. Criteria: Ambry Variant Classification Scheme 2023. Collection method: clinical testing. Allele origin: germline.
Comment: The p.Q161P variant (also known as c.482A>C), located in coding exon 7 of the ASXL1 gene, results from an A to C substitution at nucleotide position 482. The glutamine at codon 161 is replaced by proline, an amino acid with similar properties. This amino acid position is conserved. In addition, the in silico prediction for this alteration is inconclusive. Based on the available evidence, the clinical significance of this variant remains unclear.

NM_015338.6(ASXL1):c.482A>C (p.Gln161Pro)

Gene: ASXL1 (ASXL transcriptional regulator 1; plus strand). Cytogenetic location: 20q11.21.
Variant type: single nucleotide variant.
Coding change: c.482A>C on transcript NM_015338.6 (MANE Select); coding-DNA position 482, A replaced by C.
Protein change: p.Gln161Pro; replaces glutamine 161 with proline.
Molecular consequence: missense variant.
Genome position (GRCh38, 1-based): chr20:32,429,348, A>C. VCF-style: chr20-32429348-A-C. GRCh37 (hg19) VCF-style: chr20-31017151-A-C.
Other names: c.452A>C, p.Gln151Pro (NM_001363734.1); short protein forms Q151P, Q161P.
Identifiers: ClinVar variation 4159098 (VCV004159098.1).